The following is an entry in ClinVar:

ClinVar aggregate classification (germline): Uncertain significance. Review status: criteria provided, multiple submitters, no conflicts (2 of 4 stars). 2 submissions from 2 submitters: Uncertain significance (2). Last evaluated 2026-01-09.

Conditions:
Inborn genetic diseases. Identifiers: MedGen C0950123, MeSH D030342.
Dystonic disorder. Also called: Dystonia. Identifiers: MedGen C0013421, MONDO:0003441, HP:0001332.

gnomAD v4.1: 27 of 1,614,082 alleles (0.0017%); highest among the groups gnomAD compares: Admixed American, 0.015%; no homozygotes.

Submissions (2):

Ambry Genetics
Classification: Uncertain significance for Inborn genetic diseases. Last evaluated: 2026-01-09. Review status: criteria provided, single submitter. Criteria: Ambry Variant Classification Scheme 2023. Collection method: clinical testing. Allele origin: germline.
Comment: The c.715G>A (p.A239T) alteration is located in exon 4 (coding exon 4) of the TOR1A gene. This alteration results from a G to A substitution at nucleotide position 715, causing the alanine (A) at amino acid position 239 to be replaced by a threonine (T). Based on data from gnomAD, the A allele has an overall frequency of 0.004% (10/282890) total alleles studied. The highest observed frequency was 0.025% (9/35440) of Latino alleles. Based on insufficient or conflicting evidence, the clinical significance of this alteration remains unclear.

Labcorp Genetics (formerly Invitae), Labcorp
Classification: Uncertain significance for Dystonic disorder. Last evaluated: 2025-10-09. Review status: criteria provided, single submitter. Criteria: Invitae Variant Classification Sherloc (09022015). Collection method: clinical testing. Allele origin: germline.
Comment: This sequence change replaces alanine, which is neutral and non-polar, with threonine, which is neutral and polar, at codon 239 of the TOR1A protein (p.Ala239Thr). This variant is present in population databases (rs775770765, gnomAD 0.02%). This variant has not been reported in the literature in individuals affected with TOR1A-related conditions. ClinVar contains an entry for this variant (Variation ID: 3653492). Invitae Evidence Modeling of protein sequence and biophysical properties (such as structural, functional, and spatial information, amino acid conservation, physicochemical variation, residue mobility, and thermodynamic stability) indicates that this missense variant is not expected to disrupt TOR1A protein function with a negative predictive value of 80%. In summary, the available evidence is currently insufficient to determine the role of this variant in disease. Therefore, it has been classified as a Variant of Uncertain Significance.

NM_000113.3(TOR1A):c.715G>A (p.Ala239Thr)

Gene: TOR1A (torsin family 1 member A; minus strand). Cytogenetic location: 9q34.11.
Variant type: single nucleotide variant.
Coding change: c.715G>A on transcript NM_000113.3 (MANE Select); coding-DNA position 715, G replaced by A.
Protein change: p.Ala239Thr; replaces alanine 239 with threonine.
Molecular consequence: missense variant.
Genome position (GRCh38, 1-based): chr9:129,818,553, C>T on the plus strand (G>A on the coding strand, the complement: TOR1A is on the minus strand). VCF-style: chr9-129818553-C-T. GRCh37 (hg19) VCF-style: chr9-132580832-C-T.
Other names: c.715G>A (NM_000113.2); short protein forms A239T.
Identifiers: ClinVar variation 3653492 (VCV003653492.3).
Genomic context (GRCh38, chr9:129,818,553, plus strand): 5'-GGACTGGCGGTGGATGGCCCTACTCACTGTTCTTGTTATTGAAAACCGACACAGACAACG[C>T]GTGTTCAATGTCTTTGAGCTTGATGTCTTCCCTCTGCTTTCCACTCCTCCAGAAATCCAA-3'
Protein context (NP_000104.1, residues 229-249): EDIKLKDIEH[Ala239Thr]LSVSVFNNKN